The following is an entry in ClinVar:

NM_020807.3(ZNF319):c.6G>A (p.Ser2=)

Gene: ZNF319 (zinc finger protein 319; minus strand). Cytogenetic location: 16q21.
Variant type: single nucleotide variant.
Coding change: c.6G>A on transcript NM_020807.3 (MANE Select); coding-DNA position 6, G replaced by A.
Protein change: p.Ser2=; no amino-acid change (serine 2 retained).
Molecular consequence: synonymous variant.
Genome position (GRCh38, 1-based): chr16:57,998,260, C>T on the plus strand (G>A on the coding strand, the complement: ZNF319 is on the minus strand). VCF-style: chr16-57998260-C-T. GRCh37 (hg19) VCF-style: chr16-58032164-C-T.
Other names: c.6G>A, p.Ser2= (NM_001384365.1, NM_001384366.1, NM_001384367.1).
Identifiers: ClinVar variation 2646567 (VCV002646567.24), dbSNP rs775041148, ClinGen allele CA8084739.

ClinVar aggregate classification (germline): Likely benign (1 of 4 stars; one submission).

Allele frequency attached by ClinVar (database versions not stated): gnomAD 0.00007; TOPMed 0.00008; ExAC 0.00014.
gnomAD v4.1: 141 of 1,523,008 alleles (0.0093%); highest among the groups gnomAD compares: East Asian, 0.22%; 1 homozygote.

Submission:

CeGaT Center for Human Genetics Tuebingen
Classification: Likely benign. Last evaluated: 2023-04-01. Review status: criteria provided, single submitter. Criteria: CeGaT Center For Human Genetics Tuebingen Variant Classification Criteria Version 2. Collection method: clinical testing. Allele origin: germline. Affected: yes. Observed: 1 variant allele.
Comment: ZNF319: BP4, BP7